The following is an entry in ClinVar:

NM_001999.4(FBN2):c.-5C>G

Gene: FBN2 (fibrillin 2; minus strand). Cytogenetic location: 5q23.3.
Variant type: single nucleotide variant.
Coding change: c.-5C>G on transcript NM_001999.4 (MANE Select); 5 bases upstream of the start codon, C replaced by G.
Molecular consequence: 5 prime UTR variant.
Genome position (GRCh38, 1-based): chr5:128,537,608, G>C on the plus strand (C>G on the coding strand, the complement: FBN2 is on the minus strand). VCF-style: chr5-128537608-G-C. GRCh37 (hg19) VCF-style: chr5-127873301-G-C.
Identifiers: ClinVar variation 3050201 (VCV003050201.2), dbSNP rs745465927, ClinGen allele CA2578396994.

ClinVar aggregate classification (germline): Likely benign (0 of 4 stars; one submission).

Conditions:
FBN2-related disorder. Also called: FBN2-related condition.

gnomAD v4.1: 7 of 1,606,284 alleles (0.00044%); highest among the groups gnomAD compares: Non-Finnish European, 0.00051%; no homozygotes.

Submission:

PreventionGenetics, part of Exact Sciences
Classification: Likely benign for FBN2-related condition. Last evaluated: 2023-07-25. Review status: no assertion criteria provided. Collection method: clinical testing. Allele origin: germline.
Comment: This variant is classified as likely benign based on ACMG/AMP sequence variant interpretation guidelines (Richards et al. 2015 PMID: 25741868, with internal and published modifications).